The following is an entry in ClinVar:

ClinVar aggregate classification (germline): Pathogenic (1 of 4 stars; one submission).

Conditions:
Polycystic kidney disease. Also called: Polycystic kidney dysplasia; Kidney, Polycystic. Identifiers: MedGen C0022680, MeSH D007690, MONDO:0020642, HP:0000113.

Submission:

Cavalleri Lab, Royal College of Surgeons in Ireland
Classification: Pathogenic for Polycystic kidney disease. Last evaluated: 2020-05-28. Review status: criteria provided, single submitter. Criteria: ACMG Guidelines, 2015. Collection method: research. Allele origin: unknown. Inheritance: Autosomal dominant inheritance. Affected: yes. Observed: 1 variant allele.
Comment: PVS1, PM2, PP1, PP4

NM_001009944.3(PKD1):c.195_196insGACC (p.Pro66fs)

Gene: PKD1 (polycystin 1, transient receptor potential channel interacting; minus strand). Cytogenetic location: 16p13.3.
Variant type: Insertion.
Coding change: c.195_196insGACC on transcript NM_001009944.3 (MANE Select); coding-DNA positions 195 to 196, GACC inserted.
Protein change: p.Pro66fs; shifts the reading frame from proline 66.
Molecular consequence: frameshift variant.
Genome position: GRCh38 VCF-style: chr16-2135494-G-GGGTC. GRCh37 (hg19) VCF-style: chr16-2185495-G-GGGTC.
Other names: c.195_196insGACC, p.Pro66fs (NM_000296.4); short protein forms P66fs.
Identifiers: ClinVar variation 977304 (VCV000977304.1), dbSNP rs2092939979, ClinGen allele CA1139664413.